The following is an entry in ClinVar:

ClinVar aggregate classification (germline): Uncertain significance. Review status: criteria provided, multiple submitters, no conflicts (2 of 4 stars). 2 submissions from 2 submitters: Uncertain significance (2). Last evaluated 2025-03-23.

Conditions:
Familial focal epilepsy with variable foci (FPEVF). Identifiers: Orphanet 98820, MedGen C1858477, MONDO:0020310.

Allele frequency attached by ClinVar (database versions not stated): TOPMed below 0.00001; ExAC 0.00001; gnomAD 0.00001; gnomAD exomes 0.00001 and 0.00002.
gnomAD v4.1: 32 of 1,613,894 alleles (0.002%); highest among the groups gnomAD compares: East Asian, 0.0045%; no homozygotes.

Submissions (2):

Labcorp Genetics (formerly Invitae), Labcorp
Classification: Uncertain significance for Familial focal epilepsy with variable foci. Last evaluated: 2025-03-23. Review status: criteria provided, single submitter. Criteria: Invitae Variant Classification Sherloc (09022015). Collection method: clinical testing. Allele origin: germline.
Comment: This sequence change replaces arginine, which is basic and polar, with glutamine, which is neutral and polar, at codon 1586 of the DEPDC5 protein (p.Arg1586Gln). This variant is present in population databases (rs774659889, gnomAD 0.002%). This variant has not been reported in the literature in individuals affected with DEPDC5-related conditions. ClinVar contains an entry for this variant (Variation ID: 1423691). Experimental studies and prediction algorithms are not available or were not evaluated, and the functional significance of this variant is currently unknown. In summary, the available evidence is currently insufficient to determine the role of this variant in disease. Therefore, it has been classified as a Variant of Uncertain Significance.

Revvity Omics, Revvity
Classification: Uncertain significance. Last evaluated: 2024-01-29. Review status: criteria provided, single submitter. Criteria: ACMG Guidelines, 2015. Collection method: clinical testing. Allele origin: germline.

NM_001242896.3(DEPDC5):c.4757G>A (p.Arg1586Gln)

Gene: DEPDC5 (DEP domain containing 5, GATOR1 subcomplex subunit; plus strand). Cytogenetic location: 22q12.3.
Variant type: single nucleotide variant.
Coding change: c.4757G>A on transcript NM_001242896.3 (MANE Select); coding-DNA position 4757, G replaced by A.
Protein change: p.Arg1586Gln; replaces arginine 1586 with glutamine.
Molecular consequence: missense variant. On other transcripts: non-coding transcript variant (5).
Genome position (GRCh38, 1-based): chr22:31,906,442, G>A. VCF-style: chr22-31906442-G-A. GRCh37 (hg19) VCF-style: chr22-32302428-G-A.
Other names: c.4730G>A, p.Arg1577Gln (NM_001136029.4); c.4457G>A, p.Arg1486Gln (NM_001242897.2); c.4691G>A, p.Arg1564Gln (NM_001363852.2, NM_001364320.2); c.4523G>A, p.Arg1508Gln (NM_001363854.2, NM_001364319.2); c.4757G>A, p.Arg1586Gln (NM_001364318.2); c.4673G>A, p.Arg1558Gln (NM_001369901.1, NM_001369902.1); c.4664G>A, p.Arg1555Gln (NM_001369903.1, NM_014662.6); short protein forms R1555Q, R1577Q, R1558Q, R1486Q, R1508Q, R1564Q, R1586Q.
Identifiers: ClinVar variation 1423691 (VCV001423691.7), dbSNP rs774659889, ClinGen allele CA10197329.